The following is an entry in ClinVar:

NM_014844.5(TECPR2):c.348+1G>A

Gene: TECPR2 (tectonin beta-propeller repeat containing 2; plus strand). Cytogenetic location: 14q32.31.
Variant type: single nucleotide variant.
Coding change: c.348+1G>A on transcript NM_014844.5 (MANE Select); the canonical splice donor site of the intron after coding-DNA position 348, G replaced by A.
Molecular consequence: splice donor variant.
Genome position (GRCh38, 1-based): chr14:102,407,467, G>A. VCF-style: chr14-102407467-G-A. GRCh37 (hg19) VCF-style: chr14-102873804-G-A.
Other names: c.348+1G>A (NM_001172631.3).
Identifiers: ClinVar variation 4278995 (VCV004278995.1).
Genomic context (GRCh38, chr14:102,407,467, plus strand): 5'-GCCTCTGGCAGGGTTGCAGTTTTTCAACTTGTATCTTCATTGCCAGGGAGAAATAAACAG[G>A]TGAGTACTCATGATCTTAACACGTGTTAACTTCTTGGCACATTCCTCATGGATTTTTAAA-3'

ClinVar aggregate classification (germline): Likely pathogenic (1 of 4 stars; one submission).

Conditions:
Hereditary spastic paraplegia 49 (HSAN9). Also called: Spastic paraplegia 49, autosomal recessive; TECPR2-Related Hereditary Sensory and Autonomic Neuropathy with Intellectual Disability; NEUROPATHY, HEREDITARY SENSORY AND AUTONOMIC, TYPE IX, WITH DEVELOPMENTAL DELAY. Identifiers: Orphanet 320385, MedGen C5190860, MONDO:0014016, OMIM 615031.

Submission:

Center for Precision Genome Editing and Genetic Technologies for Biomedicine, Pirogov Russian National Research Medical University
Classification: Likely pathogenic for Hereditary spastic paraplegia 49. Review status: criteria provided, single submitter. Criteria: ACMG Guidelines, 2015. Collection method: clinical testing. Allele origin: unknown. Inheritance: Autosomal recessive inheritance. Affected: yes. Observed: 1 homozygote.
Comment: TECPR2(NM_014844.5):c.348+1G>A. The variant affects the canonical splice site, which is a known mechanism of disease, PVS1. This variant has not been detected in control samples nor in patients with neuropathy, hereditary sensory and autonomic, type IX, with developmental delay, OMIM: 615031, PM2. Based on the applied ACMG/AMP criteria (PVS1, PM2), this variant is classified as Likely Pathogenic.

Literature cited by the submitters: DOI 10.1002/humu.23626.